The following is an entry in ClinVar:

NM_004380.3(CREBBP):c.5367C>G (p.Asn1789Lys)

Gene: CREBBP (CREB binding protein; minus strand). Cytogenetic location: 16p13.3.
Variant type: single nucleotide variant.
Coding change: c.5367C>G on transcript NM_004380.3 (MANE Select); coding-DNA position 5367, C replaced by G.
Protein change: p.Asn1789Lys; replaces asparagine 1789 with lysine.
Molecular consequence: missense variant.
Genome position (GRCh38, 1-based): chr16:3,729,680, G>C on the plus strand (C>G on the coding strand, the complement: CREBBP is on the minus strand). VCF-style: chr16-3729680-G-C. GRCh37 (hg19) VCF-style: chr16-3779681-G-C.
Other names: c.5253C>G, p.Asn1751Lys (NM_001079846.1); short protein forms N1751K, N1789K.
Identifiers: ClinVar variation 1098414 (VCV001098414.2), dbSNP rs2151311363, ClinGen allele CA394557040.
Genomic context (GRCh38, chr16:3,729,680, plus strand): 5'-TTTGCAGCCCTTGGTGTGCTGCACCACCCGCTTCATCTTCTGGCAGGATGGCAGCGAGCA[G>C]TTGGCGTTGCGGCACTGGCACGCGTGCACCAGCGACTGGATGCAGCGCTGGATGCTCAGC-3'
Protein context (NP_004371.2, residues 1779-1799): LVHACQCRNA[Asn1789Lys]CSLPSCQKMK

ClinVar aggregate classification (germline): Likely pathogenic (1 of 4 stars; one submission).

Submission:

Genetics Laboratory, UDIAT-Centre Diagnòstic, Hospital Universitari Parc Tauli
Classification: Likely pathogenic. Last evaluated: 2021-04-26. Review status: criteria provided, single submitter. Criteria: Parc Tauli Hospital Assertion Criteria 2021. Collection method: clinical testing. Allele origin: de novo. Inheritance: Autosomal dominant inheritance. Affected: yes. Observed: 1 heterozygote.
Comment: PM1_moderate;PM2_supporting;PM5_moderate;PM6_moderate;PP2_supporting;PP3_supporting